The following is an entry in ClinVar:

ClinVar aggregate classification (germline): Likely benign. Review status: criteria provided, multiple submitters, no conflicts (2 of 4 stars). 2 submissions from 2 submitters: Likely benign (2). Last evaluated 2025-10-02.

Allele frequency attached by ClinVar (database versions not stated): gnomAD exomes 0.00002; gnomAD 0.00003; TOPMed 0.00003.
gnomAD v4.1: 28 of 1,607,102 alleles (0.0017%); highest among the groups gnomAD compares: East Asian, 0.009%; no homozygotes.

Submissions (2):

Labcorp Genetics (formerly Invitae), Labcorp
Classification: Likely benign. Last evaluated: 2025-10-02. Review status: criteria provided, single submitter. Criteria: Invitae Variant Classification Sherloc (09022015). Collection method: clinical testing. Allele origin: germline.

CeGaT Center for Human Genetics Tuebingen
Classification: Likely benign. Last evaluated: 2024-11-01. Review status: criteria provided, single submitter. Criteria: CeGaT Center For Human Genetics Tuebingen Variant Classification Criteria Version 2. Collection method: clinical testing. Allele origin: germline. Affected: yes. Observed: 2 variant alleles.
Comment: GUF1: BP4, BP7

NM_021927.3(GUF1):c.1623C>T (p.Tyr541=)

Gene: GUF1 (GTP binding elongation factor GUF1; plus strand). Cytogenetic location: 4p12.
Variant type: single nucleotide variant.
Coding change: c.1623C>T on transcript NM_021927.3 (MANE Select); coding-DNA position 1623, C replaced by T.
Protein change: p.Tyr541=; no amino-acid change (tyrosine 541 retained).
Molecular consequence: synonymous variant.
Genome position (GRCh38, 1-based): chr4:44,694,421, C>T. VCF-style: chr4-44694421-C-T. GRCh37 (hg19) VCF-style: chr4-44696438-C-T.
Other names: c.651C>T, p.Tyr217= (NM_001345867.2, NM_001345869.2); c.1623C>T, p.Tyr541= (NM_001345868.2).
Identifiers: ClinVar variation 1901583 (VCV001901583.27), dbSNP rs779767276, ClinGen allele CA2905709.